The following is an entry in ClinVar:

ClinVar aggregate classification (germline): Uncertain significance. Review status: criteria provided, multiple submitters, no conflicts (2 of 4 stars). 2 submissions from 2 submitters: Uncertain significance (2). Last evaluated 2026-07-21.

Conditions:
Cardiovascular phenotype. Identifiers: MedGen CN230736.

Submissions (2):

Ambry Genetics
Classification: Uncertain significance for Cardiovascular phenotype. Last evaluated: 2026-07-21. Review status: criteria provided, single submitter. Criteria: Ambry Variant Classification Scheme 2023. Collection method: clinical testing. Allele origin: germline.
Comment: The p.T1258I variant (also known as c.3773C>T), located in coding exon 27 of the LAMA4 gene, results from a C to T substitution at nucleotide position 3773. The threonine at codon 1258 is replaced by isoleucine, an amino acid with similar properties. This amino acid position is conserved. In addition, this alteration is predicted to be deleterious by in silico analysis. Based on the available evidence, the clinical significance of this variant remains unclear.

AiLife Diagnostics
Classification: Uncertain significance. Last evaluated: 2021-10-21. Review status: criteria provided, single submitter. Criteria: ACMG Guidelines, 2015. Collection method: clinical testing. Allele origin: germline. Affected: yes. Observed: 1 variant allele.

NM_001105206.3(LAMA4):c.3794C>T (p.Thr1265Ile)

Gene: LAMA4 (laminin subunit alpha 4; minus strand). Cytogenetic location: 6q21.
Variant type: single nucleotide variant.
Coding change: c.3794C>T on transcript NM_001105206.3 (MANE Select); coding-DNA position 3794, C replaced by T.
Protein change: p.Thr1265Ile; replaces threonine 1265 with isoleucine.
Molecular consequence: missense variant.
Genome position (GRCh38, 1-based): chr6:112,132,793, G>A on the plus strand (C>T on the coding strand, the complement: LAMA4 is on the minus strand). VCF-style: chr6-112132793-G-A. GRCh37 (hg19) VCF-style: chr6-112453995-G-A.
Other names: c.3773C>T (NM_002290.3); c.3773C>T, p.Thr1258Ile (NM_001105207.3, NM_002290.5); short protein forms T1258I, T1265I.
Identifiers: ClinVar variation 1677579 (VCV001677579.2), dbSNP rs2114656127, ClinGen allele CA365374799.